The following is an entry in ClinVar:

ClinVar aggregate classification (germline): Uncertain significance (1 of 4 stars; one submission).

Conditions:
Dilated cardiomyopathy 1G (CMD1G). Identifiers: Orphanet 154, MedGen C1858763, MONDO:0011400, OMIM 604145.
Autosomal recessive limb-girdle muscular dystrophy type 2J (LGMDR10). Also called: Limb-girdle muscular dystrophy, type 2J; MUSCULAR DYSTROPHY, LIMB-GIRDLE, AUTOSOMAL RECESSIVE 10. Identifiers: Orphanet 140922, MedGen C1837342, MONDO:0012127, OMIM 608807.

gnomAD v4.1: 1 of 1,613,950 alleles (0.000062%); highest among the groups gnomAD compares: Non-Finnish European, 0.000085%; no homozygotes.

Submission:

Labcorp Genetics (formerly Invitae), Labcorp
Classification: Uncertain significance for Dilated cardiomyopathy 1G; Autosomal recessive limb-girdle muscular dystrophy type 2J. Last evaluated: 2021-10-04. Review status: criteria provided, single submitter. Criteria: Invitae Variant Classification Sherloc (09022015). Collection method: clinical testing. Allele origin: germline.
Comment: This sequence change replaces serine with cysteine at codon 33719 of the TTN protein (p.Ser33719Cys). There is a moderate physicochemical difference between serine and cysteine. This variant is not present in population databases (ExAC no frequency). This variant has not been reported in the literature in individuals affected with TTN-related conditions. Experimental studies and prediction algorithms are not available or were not evaluated, and the functional significance of this variant is currently unknown. In summary, the available evidence is currently insufficient to determine the role of this variant in disease. Therefore, it has been classified as a Variant of Uncertain Significance. This variant is located in the M band of TTN (PMID: 25589632). Variants in this region may be relevant for neuromuscular disorders, but have not been definitively shown to cause cardiomyopathy (PMID: 23975875).

Literature cited by the submitters: PubMed 25589632; PubMed 23975875.

NM_001267550.2(TTN):c.101155A>T (p.Ser33719Cys)

Genes: TTN-AS1 (TTN antisense RNA 1; plus strand), TTN (titin; minus strand). Cytogenetic location: 2q31.2.
Variant type: single nucleotide variant.
Coding change: c.101155A>T on transcript NM_001267550.2 (MANE Select); coding-DNA position 101155, A replaced by T.
Protein change: p.Ser33719Cys; replaces serine 33719 with cysteine.
Molecular consequence: missense variant.
Genome position (GRCh38, 1-based): chr2:178,535,460, T>A on the plus strand (A>T on the coding strand, the complement: TTN is on the minus strand). VCF-style: chr2-178535460-T-A. GRCh37 (hg19) VCF-style: chr2-179400187-T-A.
Other names: c.96232A>T, p.Ser32078Cys (NM_001256850.1); c.73960A>T, p.Ser24654Cys (NM_003319.4); c.93451A>T, p.Ser31151Cys (NM_133378.4); c.74335A>T, p.Ser24779Cys (NM_133432.3); c.74536A>T, p.Ser24846Cys (NM_133437.4); short protein forms S24654C, S24846C, S31151C, S24779C, S32078C, S33719C.
Identifiers: ClinVar variation 1386008 (VCV001386008.6), dbSNP rs2154136682, ClinGen allele CA349421512.